The following is an entry in ClinVar:

NM_032193.4(RNASEH2C):c.468+13G>A

Gene: RNASEH2C (ribonuclease H2 subunit C; minus strand). Cytogenetic location: 11q13.1.
Variant type: single nucleotide variant.
Coding change: c.468+13G>A on transcript NM_032193.4 (MANE Select); 13 bases into the intron after coding-DNA position 468, G replaced by A.
Molecular consequence: intron variant.
Genome position (GRCh38, 1-based): chr11:65,720,032, C>T on the plus strand (G>A on the coding strand, the complement: RNASEH2C is on the minus strand). VCF-style: chr11-65720032-C-T. GRCh37 (hg19) VCF-style: chr11-65487503-C-T.
Identifiers: ClinVar variation 305358 (VCV000305358.17), dbSNP rs182000627, ClinGen allele CA6107670.

ClinVar aggregate classification (germline): Benign/Likely benign. Review status: criteria provided, multiple submitters, no conflicts (2 of 4 stars). 7 submissions from 7 submitters: Benign (2); Likely benign (5). Last evaluated 2026-04-07.

Conditions:
Aicardi-Goutieres syndrome 3. Identifiers: Orphanet 51, MedGen C1835916, MONDO:0012471, OMIM 610329.

Allele frequency attached by ClinVar (database versions not stated): 1000 Genomes Project 0.00120; 1000 Genomes Project 30x 0.00125; gnomAD 0.00178; TOPMed 0.00179; ESP Exome Variant Server 0.00223.
gnomAD v4.1: 3,671 of 1,612,476 alleles (0.23%); highest among the groups gnomAD compares: Middle Eastern, 1.2%; 25 homozygotes.

Submissions (7):

Women's Health and Genetics/Laboratory Corporation of America, LabCorp
Classification: Benign. Last evaluated: 2026-04-07. Review status: criteria provided, single submitter. Criteria: LabCorp Variant Classification Summary - May 2015. Collection method: clinical testing. Allele origin: germline.

Labcorp Genetics (formerly Invitae), Labcorp
Classification: Benign for Aicardi-Goutieres syndrome 3. Last evaluated: 2026-02-02. Review status: criteria provided, single submitter. Criteria: Invitae Variant Classification Sherloc (09022015). Collection method: clinical testing. Allele origin: germline.

Blueprint Genetics
Classification: Likely benign. Last evaluated: 2024-11-26. Review status: criteria provided, single submitter. Criteria: ACMG Guidelines, 2015. Collection method: clinical testing. Allele origin: germline.

Illumina Laboratory Services, Illumina
Classification: Likely benign for Aicardi-Goutieres syndrome 3. Last evaluated: 2018-01-12. Review status: criteria provided, single submitter. Criteria: ICSL Variant Classification Criteria 13 December 2019. Collection method: clinical testing. Allele origin: germline.
Comment: This variant was observed in the ICSL laboratory as part of a predisposition screen in an ostensibly healthy population. It had not been previously curated by ICSL or reported in the Human Gene Mutation Database (HGMD: prior to June 1st, 2018), and was therefore a candidate for classification through an automated scoring system. Utilizing variant allele frequency, disease prevalence and penetrance estimates, and inheritance mode, an automated score was calculated to assess if this variant is too frequent to cause the disease. Based on the score and internal cut-off values, a variant classified as likely benign is not then subjected to further curation. The score for this variant resulted in a classification of likely benign for this disease.

Genome Diagnostics Laboratory, University Medical Center Utrecht
Classification: Likely benign for Aicardi-Goutieres syndrome 3. Last evaluated: 2017-02-10. Review status: criteria provided, single submitter. Criteria: ACGS Guidelines, 2013. Collection method: clinical testing. Allele origin: germline. Affected: yes. Study: VKGL Data-share Consensus.

Clinical Genetics DNA and cytogenetics Diagnostics Lab, Erasmus MC, Erasmus Medical Center
Classification: Likely benign for Aicardi-Goutieres syndrome 3. Last evaluated: 2015-09-21. Review status: criteria provided, single submitter. Criteria: ACGS Guidelines, 2013. Collection method: clinical testing. Allele origin: germline. Affected: yes. Study: VKGL Data-share Consensus.

Breakthrough Genomics
Classification: Likely benign. Review status: criteria provided, single submitter. Criteria: ACMG Guidelines, 2015. Collection method: not provided. Allele origin: germline. Inheritance: Autosomal recessive inheritance. Affected: yes.